The following is an entry in ClinVar:

ClinVar aggregate classification (germline): Likely benign (1 of 4 stars; one submission).

Allele frequency attached by ClinVar (database versions not stated): 1000 Genomes Project 0.00260; 1000 Genomes Project 30x 0.00281; TOPMed 0.00331; ESP Exome Variant Server 0.00414; gnomAD 0.00481; ExAC 0.00489; gnomAD exomes 0.00561.
gnomAD v4.1: 8,810 of 1,614,032 alleles (0.55%); highest among the groups gnomAD compares: Non-Finnish European, 0.58%; 39 homozygotes.

Submission:

CeGaT Center for Human Genetics Tuebingen
Classification: Likely benign. Last evaluated: 2022-11-01. Review status: criteria provided, single submitter. Criteria: CeGaT Center For Human Genetics Tuebingen Variant Classification Criteria Version 2. Collection method: clinical testing. Allele origin: germline. Affected: yes. Observed: 1 variant allele.
Comment: MYO3B: BS2

NM_138995.5(MYO3B):c.554G>A (p.Arg185His)

Gene: MYO3B (myosin IIIB; plus strand). Cytogenetic location: 2q31.1.
Variant type: single nucleotide variant.
Coding change: c.554G>A on transcript NM_138995.5 (MANE Select); coding-DNA position 554, G replaced by A.
Protein change: p.Arg185His; replaces arginine 185 with histidine.
Molecular consequence: missense variant. On other transcripts: non-coding transcript variant (3).
Genome position (GRCh38, 1-based): chr2:170,217,346, G>A. VCF-style: chr2-170217346-G-A. GRCh37 (hg19) VCF-style: chr2-171073856-G-A.
Other names: c.554G>A, p.Arg185His (NM_001083615.4); short protein forms R185H.
Identifiers: ClinVar variation 2651532 (VCV002651532.24), dbSNP rs55911154, ClinGen allele CA1960820.